The following is an entry in ClinVar:

NM_033100.4(CDHR1):c.516del (p.Phe173fs)

Gene: CDHR1 (cadherin related family member 1; plus strand). Cytogenetic location: 10q23.1.
Variant type: Deletion.
Coding change: c.516del on transcript NM_033100.4 (MANE Select); coding-DNA position 516, one base deleted (C; older notation c.516delC).
Protein change: p.Phe173fs; shifts the reading frame from phenylalanine 173.
Molecular consequence: frameshift variant.
Genome position (GRCh38, 1-based): chr10:84,200,678, C deleted. VCF-style (leftmost placement, unchanged base first): chr10-84200677-AC-A. GRCh37 (hg19) VCF-style: chr10-85960433-AC-A.
Other names: c.516del, p.Phe173fs (NM_001171971.3); short protein forms F173fs.
Identifiers: ClinVar variation 2822231 (VCV002822231.3), dbSNP rs2492486201, ClinGen allele CA2739275853.

ClinVar aggregate classification (germline): Pathogenic (1 of 4 stars; one submission).

Submission:

Labcorp Genetics (formerly Invitae), Labcorp
Classification: Pathogenic. Last evaluated: 2022-12-19. Review status: criteria provided, single submitter. Criteria: Invitae Variant Classification Sherloc (09022015). Collection method: clinical testing. Allele origin: germline.
Comment: For these reasons, this variant has been classified as Pathogenic. This variant has not been reported in the literature in individuals affected with CDHR1-related conditions. This variant is not present in population databases (gnomAD no frequency). This sequence change creates a premature translational stop signal (p.Phe173Serfs*94) in the CDHR1 gene. It is expected to result in an absent or disrupted protein product. Loss-of-function variants in CDHR1 are known to be pathogenic (PMID: 23044944, 23591405, 26103963, 26261414).

Literature cited by the submitters: PubMed 23044944; PubMed 23591405; PubMed 26103963; PubMed 26261414.